The following is an entry in ClinVar:

NM_000426.4(LAMA2):c.7814del (p.Thr2605fs)

Gene: LAMA2 (laminin subunit alpha 2; plus strand). Cytogenetic location: 6q22.33.
Variant type: Deletion.
Coding change: c.7814del on transcript NM_000426.4 (MANE Select); coding-DNA position 7814, one base deleted (C; older notation c.7814delC).
Protein change: p.Thr2605fs; shifts the reading frame from threonine 2605.
Molecular consequence: frameshift variant.
Genome position (GRCh38, 1-based): chr6:129,486,538, C deleted. VCF-style (leftmost placement, unchanged base first): chr6-129486537-AC-A. GRCh37 (hg19) VCF-style: chr6-129807682-AC-A.
Other names: c.7802del, p.Thr2601fs (NM_001079823.2); short protein forms T2601fs, T2605fs.
Identifiers: ClinVar variation 1075019 (VCV001075019.7), dbSNP rs2114848989, ClinGen allele CA2499218076.

ClinVar aggregate classification (germline): Pathogenic (1 of 4 stars; one submission).

Conditions:
LAMA2-related muscular dystrophy (LAMA2-RD). Also called: Laminin alpha 2-related dystrophy. Identifiers: MedGen C5679788, MONDO:0100228.

Allele frequency attached by ClinVar (database versions not stated): gnomAD exomes below 0.00001.

Submission:

Labcorp Genetics (formerly Invitae), Labcorp
Classification: Pathogenic for LAMA2-related muscular dystrophy. Last evaluated: 2020-07-31. Review status: criteria provided, single submitter. Criteria: Invitae Variant Classification Sherloc (09022015). Collection method: clinical testing. Allele origin: germline.
Comment: This variant is not present in population databases (ExAC no frequency). This variant has not been reported in the literature in individuals with LAMA2-related conditions. Loss-of-function variants in LAMA2 are known to be pathogenic (PMID: 18700894). This sequence change creates a premature translational stop signal (p.Thr2605Lysfs*2) in the LAMA2 gene. It is expected to result in an absent or disrupted protein product. For these reasons, this variant has been classified as Pathogenic.

Literature cited by the submitters: PubMed 18700894.